The following is an entry in ClinVar:

ClinVar aggregate classification (germline): Likely benign. Review status: criteria provided, multiple submitters, no conflicts (2 of 4 stars). 2 submissions from 2 submitters: Likely benign (2). Last evaluated 2020-12-14.

Conditions:
Hypertrophic cardiomyopathy. Also called: HYPERTROPHIC MYOCARDIOPATHY. Identifiers: Orphanet 217569, MedGen C0007194, MeSH D002312, MONDO:0005045, HP:0001639.

Allele frequency attached by ClinVar (database versions not stated): gnomAD exomes 0.00001 and 0.00002; ExAC 0.00002.
gnomAD v4.1: 10 of 1,605,300 alleles (0.00062%); highest among the groups gnomAD compares: South Asian, 0.011%; 1 homozygote.

Submissions (2):

Labcorp Genetics (formerly Invitae), Labcorp
Classification: Likely benign for Hypertrophic cardiomyopathy. Last evaluated: 2020-12-14. Review status: criteria provided, single submitter. Criteria: Invitae Variant Classification Sherloc (09022015). Collection method: clinical testing. Allele origin: germline.

Laboratory for Molecular Medicine, Mass General Brigham Personalized Medicine
Classification: Likely benign. Last evaluated: 2013-11-20. Review status: criteria provided, single submitter. Criteria: LMM Criteria. Collection method: clinical testing. Allele origin: germline. Observed: 1 variant allele.
Comment: 5559+9G>A in intron 37 of MYH7: This variant is not expected to have clinical si gnificance because it is not located with the splice consensus sequence. 5559+9 G>A in intron 37 of MYH7 (allele frequency = n/a)

NM_000257.4(MYH7):c.5559+9G>A

Gene: MYH7 (myosin heavy chain 7; minus strand). Cytogenetic location: 14q11.2.
Variant type: single nucleotide variant.
Coding change: c.5559+9G>A on transcript NM_000257.4 (MANE Select); 9 bases into the intron after coding-DNA position 5559, G replaced by A.
Molecular consequence: intron variant.
Genome position (GRCh38, 1-based): chr14:23,414,986, C>T on the plus strand (G>A on the coding strand, the complement: MYH7 is on the minus strand). VCF-style: chr14-23414986-C-T. GRCh37 (hg19) VCF-style: chr14-23884195-C-T.
Identifiers: ClinVar variation 164266 (VCV000164266.11), dbSNP rs727503241, ClinGen allele CA016248.
Genomic context (GRCh38, chr14:23,414,986, plus strand): 5'-ATTCTCCTCAGCTGGTTGTCACTGTGGCTATGGTGCCAGGGCTCTGCCTGGAGTCACCGC[C>T]CGTCGCACCTGGTAGGTGAGCTCCTTGATGCGCCGCTCGCTCTTCCTCATGCCCTTCACC-3'